The following is an entry in ClinVar:

NM_002206.3(ITGA7):c.659A>G (p.Tyr220Cys)

Gene: ITGA7 (integrin subunit alpha 7; minus strand). Cytogenetic location: 12q13.2.
Variant type: single nucleotide variant.
Coding change: c.659A>G on transcript NM_002206.3 (MANE Select); coding-DNA position 659, A replaced by G.
Protein change: p.Tyr220Cys; replaces tyrosine 220 with cysteine.
Molecular consequence: missense variant. On other transcripts: 5 prime UTR variant (1).
Genome position (GRCh38, 1-based): chr12:55,700,910, T>C on the plus strand (A>G on the coding strand, the complement: ITGA7 is on the minus strand). VCF-style: chr12-55700910-T-C. GRCh37 (hg19) VCF-style: chr12-56094694-T-C.
Other names: c.659A>G, p.Tyr220Cys (NM_001144996.2, NM_001374465.1, NM_001410977.1 and 5 more transcripts); c.368A>G, p.Tyr123Cys (NM_001144997.2); c.320A>G, p.Tyr107Cys (NM_001367993.1, NM_001414035.1); c.-514A>G (NM_001367994.1); c.476A>G, p.Tyr159Cys (NM_001414033.1); short protein forms Y220C, Y123C, Y107C, Y159C.
Identifiers: ClinVar variation 933421 (VCV000933421.8), dbSNP rs748436706, ClinGen allele CA6616272.

ClinVar aggregate classification (germline): Uncertain significance. Review status: criteria provided, multiple submitters, no conflicts (2 of 4 stars). 2 submissions from 2 submitters: Uncertain significance (2). Last evaluated 2025-06-03.

Conditions:
Congenital muscular dystrophy due to integrin alpha-7 deficiency. Also called: Congenital muscular dystrophy with integrin alpha-7 deficiency; Muscular dystrophy, congenital, due to ITGA7 deficiency; MYOPATHY, CONGENITAL, DUE TO INTEGRIN ALPHA-7 DEFICIENCY. Identifiers: Orphanet 34520, MedGen C2750786, MONDO:0013177, OMIM 613204.

Allele frequency attached by ClinVar (database versions not stated): gnomAD exomes 0.00001 and 0.00003; TOPMed 0.00001; ExAC 0.00002.
gnomAD v4.1: 8 of 1,614,100 alleles (0.0005%); highest among the groups gnomAD compares: East Asian, 0.016%; no homozygotes.

Submissions (2):

Ambry Genetics
Classification: Uncertain significance. Last evaluated: 2025-06-03. Review status: criteria provided, single submitter. Criteria: Ambry Variant Classification Scheme 2023. Collection method: clinical testing. Allele origin: germline.

Labcorp Genetics (formerly Invitae), Labcorp
Classification: Uncertain significance for Congenital muscular dystrophy due to integrin alpha-7 deficiency. Last evaluated: 2022-02-04. Review status: criteria provided, single submitter. Criteria: Invitae Variant Classification Sherloc (09022015). Collection method: clinical testing. Allele origin: germline.
Comment: This sequence change replaces tyrosine, which is neutral and polar, with cysteine, which is neutral and slightly polar, at codon 220 of the ITGA7 protein (p.Tyr220Cys). This variant is present in population databases (rs748436706, gnomAD 0.05%). This variant has not been reported in the literature in individuals affected with ITGA7-related conditions. ClinVar contains an entry for this variant (Variation ID: 933421). Algorithms developed to predict the effect of missense changes on protein structure and function are either unavailable or do not agree on the potential impact of this missense change (SIFT: "Deleterious"; PolyPhen-2: "Possibly Damaging"; Align-GVGD: "Class C0"). In summary, the available evidence is currently insufficient to determine the role of this variant in disease. Therefore, it has been classified as a Variant of Uncertain Significance.